The following is an entry in ClinVar:

ClinVar aggregate classification (germline): Pathogenic/Likely pathogenic. Review status: criteria provided, multiple submitters, no conflicts (2 of 4 stars). 2 submissions from 2 submitters: Pathogenic (1); Likely pathogenic (1). Last evaluated 2025-11-19.

Conditions:
Short-rib thoracic dysplasia 6 with or without polydactyly (SRTD6). Also called: POLYDACTYLY WITH NEONATAL CHONDRODYSTROPHY, TYPE II; Majewski Syndrome; SHORT RIB-POLYDACTYLY SYNDROME, TYPE IIA; SHORT-RIB THORACIC DYSPLASIA 6 WITH POLYDACTYLY; SHORT-RIB THORACIC DYSPLASIA 6 WITHOUT POLYDACTYLY. Identifiers: MedGen C0024507, MONDO:0009894, OMIM 263520.

Allele frequency attached by ClinVar (database versions not stated): TOPMed below 0.00001; gnomAD 0.00001; gnomAD exomes below 0.00001.
gnomAD v4.1: 2 of 1,609,478 alleles (0.00012%); highest among the groups gnomAD compares: African/African-American, 0.0027%; no homozygotes.

Submissions (2):

Dasa
Classification: Likely pathogenic. Last evaluated: 2025-11-19. Review status: criteria provided, single submitter. Criteria: DASA Assertion Criteria. Collection method: clinical testing. Allele origin: germline.
Comment: NM_001199397.3(NEK1):c.1129C>T (p.Gln377*) is a nonsense variant in NEK1 predicted to introduce a premature termination codon and is predicted to result in an absent or altered protein product. Loss of function is an established disease mechanism for NEK1-associated disorders. Also, this variant is rare in population databases. Based on the currently available evidence, this variant is classified as likely pathogenic.

Labcorp Genetics (formerly Invitae), Labcorp
Classification: Pathogenic for Short-rib thoracic dysplasia 6 with or without polydactyly. Last evaluated: 2021-09-23. Review status: criteria provided, single submitter. Criteria: Invitae Variant Classification Sherloc (09022015). Collection method: clinical testing. Allele origin: germline.
Comment: This variant is not present in population databases (ExAC no frequency). This sequence change creates a premature translational stop signal (p.Gln377*) in the NEK1 gene. It is expected to result in an absent or disrupted protein product. Loss-of-function variants in NEK1 are known to be pathogenic (PMID: 22499340, 29068549). For these reasons, this variant has been classified as Pathogenic. This variant has not been reported in the literature in individuals affected with NEK1-related conditions.

Literature cited by the submitters: PubMed 22499340 (cited by Labcorp Genetics (formerly Invitae), Labcorp); PubMed 29068549 (cited by Labcorp Genetics (formerly Invitae), Labcorp).

NM_001199397.3(NEK1):c.1129C>T (p.Gln377Ter)

Gene: NEK1 (NIMA related kinase 1; minus strand). Cytogenetic location: 4q33.
Variant type: single nucleotide variant.
Coding change: c.1129C>T on transcript NM_001199397.3 (MANE Select); coding-DNA position 1129, C replaced by T.
Protein change: p.Gln377Ter; replaces glutamine 377 with a stop codon.
Molecular consequence: nonsense. On other transcripts: non-coding transcript variant (2).
Genome position (GRCh38, 1-based): chr4:169,561,843, G>A on the plus strand (C>T on the coding strand, the complement: NEK1 is on the minus strand). VCF-style: chr4-169561843-G-A. GRCh37 (hg19) VCF-style: chr4-170482994-G-A.
Other names: c.1129C>T, p.Gln377Ter (NM_001199398.3, NM_001199399.3, NM_001199400.3 and 7 more transcripts); short protein forms Q377*.
Identifiers: ClinVar variation 1453965 (VCV001453965.8), dbSNP rs1482234746, ClinGen allele CA358734552.
Genomic context (GRCh38, chr4:169,561,843, plus strand): 5'-TATCACTTAACAACTTGCCAAAGGTAGAAAAACAAGAGCAAAAAACTACCTGATCCTTTT[G>A]TTTCTTTTCTTTTTCAATAAATTCCAGCCTTCTCTTTCTTGCTGCTTCCTTAAATAAAAA-3'